The following is an entry in ClinVar:

NC_000016.9:g.(?_53635988)_(53656288_?)del

Gene: RPGRIP1L (RPGRIP1 like; minus strand). Cytogenetic location: 16q12.2.
Variant type: Deletion.
Identifiers: ClinVar variation 1445750 (VCV001445750.5).

ClinVar aggregate classification (germline): Uncertain significance (1 of 4 stars; one submission).

Conditions:
Meckel-Gruber syndrome. Also called: DYSENCEPHALIA SPLANCHNOCYSTICA; GRUBER SYNDROME; Dysencephalia splachnocystica. Identifiers: Orphanet 564, MedGen C0265215, MONDO:0018921.
Joubert syndrome. Also called: CEREBELLOPARENCHYMAL DISORDER IV; JOUBERT-BOLTSHAUSER SYNDROME; Familial aplasia of the vermis. Identifiers: Orphanet 475, MedGen C5979921, MONDO:0018772.

Submission:

Labcorp Genetics (formerly Invitae), Labcorp
Classification: Uncertain significance for Joubert syndrome; Meckel-Gruber syndrome. Last evaluated: 2021-08-07. Review status: criteria provided, single submitter. Criteria: Invitae Variant Classification Sherloc (09022015). Collection method: clinical testing. Allele origin: germline.
Comment: This variant is a gross deletion of the genomic region encompassing exon(s) 23-27 of the RPGRIP1L gene, which includes the termination codon. This deletion extends beyond the assayed region for this gene and therefore may encompass additional genes. While this deletion is not anticipated to lead to nonsense mediated decay, it is expected to alter mRNA translation or result in a truncated protein product. This variant has not been reported in the literature in individuals affected with RPGRIP1L-related conditions. In summary, the available evidence is currently insufficient to determine the role of this variant in disease. Therefore, it has been classified as a Variant of Uncertain Significance.